The following is an entry in ClinVar:

NM_004380.3(CREBBP):c.105C>G (p.Asp35Glu)

Gene: CREBBP (CREB binding lysine acetyltransferase; minus strand). Cytogenetic location: 16p13.3.
Variant type: single nucleotide variant.
Coding change: c.105C>G on transcript NM_004380.3 (MANE Select); coding-DNA position 105, C replaced by G.
Protein change: p.Asp35Glu; replaces aspartic acid 35 with glutamic acid.
Molecular consequence: missense variant.
Genome position (GRCh38, 1-based): chr16:3,850,990, G>C on the plus strand (C>G on the coding strand, the complement: CREBBP is on the minus strand). VCF-style: chr16-3850990-G-C. GRCh37 (hg19) VCF-style: chr16-3900991-G-C.
Other names: c.105C>G, p.Asp35Glu (NM_001079846.1); short protein forms D35E.
Identifiers: ClinVar variation 1307351 (VCV001307351.37), dbSNP rs372495787, ClinGen allele CA276987731.

ClinVar aggregate classification (germline): Conflicting classifications of pathogenicity. Review status: criteria provided, conflicting classifications (1 of 4 stars). 6 submissions from 6 submitters: Uncertain significance (5); Likely benign (1). Last evaluated 2026-01-19.

Conditions:
CREBBP-related disorder. Also called: CREBBP-related condition; CREBBP-related disorders.
Rubinstein-Taybi syndrome (RSTS). Identifiers: Orphanet 783, MedGen C0035934, MONDO:0019188.
Inborn genetic diseases. Identifiers: MedGen C0950123, MeSH D030342.

Allele frequency attached by ClinVar (database versions not stated): gnomAD exomes below 0.00001 and 0.00002; gnomAD 0.00001; ESP Exome Variant Server 0.00008.
gnomAD v4.1: 13 of 1,613,926 alleles (0.00081%); highest among the groups gnomAD compares: Admixed American, 0.0017%; no homozygotes.

Submissions (6):

Labcorp Genetics (formerly Invitae), Labcorp
Classification: Likely benign for Rubinstein-Taybi syndrome. Last evaluated: 2026-01-19. Review status: criteria provided, single submitter. Criteria: Invitae Variant Classification Sherloc (09022015). Collection method: clinical testing. Allele origin: germline.

CeGaT Center for Human Genetics Tuebingen
Classification: Uncertain significance. Last evaluated: 2025-04-01. Review status: criteria provided, single submitter. Criteria: CeGaT Center For Human Genetics Tuebingen Variant Classification Criteria Version 2. Collection method: clinical testing. Allele origin: germline. Affected: yes. Observed: 2 variant alleles.
Comment: CREBBP: PP2, PP3, BP5

PreventionGenetics, part of Exact Sciences
Classification: Uncertain significance for CREBBP-related condition. Last evaluated: 2024-10-10. Review status: criteria provided, single submitter. Criteria: ACMG Guidelines, 2015. Collection method: clinical testing. Allele origin: germline.
Comment: The CREBBP c.105C>G variant is predicted to result in the amino acid substitution p.Asp35Glu. To our knowledge, this variant has not been reported in the literature. This variant is reported in 0.00088% of alleles in individuals of European (Non-Finnish) descent in gnomAD. Although we suspect that this variant may be benign, at this time, the clinical significance of this variant is uncertain due to the absence of conclusive functional and genetic evidence.

Laboratorio de Genetica e Diagnostico Molecular, Hospital Israelita Albert Einstein
Classification: Uncertain significance. Last evaluated: 2022-02-22. Review status: criteria provided, single submitter. Criteria: ACMG Guidelines, 2015. Collection method: clinical testing. Allele origin: germline. Affected: yes.
Comment: ACMG classification criteria: PM2, PP2

GeneDx
Classification: Uncertain significance. Last evaluated: 2020-11-23. Review status: criteria provided, single submitter. Criteria: GeneDx Variant Classification Process June 2021. Collection method: clinical testing. Allele origin: germline. Affected: yes.
Comment: In silico analysis, which includes protein predictors and evolutionary conservation, supports a deleterious effect; Has not been previously published as pathogenic or benign to our knowledge

Ambry Genetics
Classification: Uncertain significance for Inborn genetic diseases. Last evaluated: 2017-07-21. Review status: criteria provided, single submitter. Criteria: Ambry Variant Classification Scheme 2023. Collection method: clinical testing. Allele origin: germline.
Comment: The p.D35E variant (also known as c.105C>G), located in coding exon 2 of the CREBBP gene, results from a C to G substitution at nucleotide position 105. The aspartic acid at codon 35 is replaced by glutamic acid, an amino acid with highly similar properties. This amino acid position is highly conserved in available vertebrate species. In addition, the in silico prediction for this alteration is inconclusive. Since supporting evidence is limited at this time, the clinical significance of this alteration remains unclear.